The following is an entry in ClinVar:

ClinVar aggregate classification (germline): Conflicting classifications of pathogenicity. Review status: criteria provided, conflicting classifications (1 of 4 stars). 9 submissions from 9 submitters: Uncertain significance (6); Likely benign (1). 2 of the submissions do not count toward it. Last evaluated 2026-08-01.

Conditions:
SPEG-related disorder. Also called: SPEG-related condition.
Myopathy, centronuclear, 5 (CNM5). Identifiers: Orphanet 169186, MedGen C4014814, MONDO:0014418, OMIM 615959.
Autosomal dominant centronuclear myopathy. Also called: MYOTUBULAR MYOPATHY, AUTOSOMAL DOMINANT; Myopathy, centronuclear, 3. Identifiers: Orphanet 169189, MedGen C4551952, MeSH D020914, MONDO:0008048, OMIM 160150.

Allele frequency attached by ClinVar (database versions not stated): 1000 Genomes Project 30x 0.00016; TOPMed 0.00081; ESP Exome Variant Server 0.00109.
gnomAD v4.1: 1,768 of 1,611,386 alleles (0.11%); highest among the groups gnomAD compares: Middle Eastern, 0.16%; 1 homozygote.

Submissions (9):

CeGaT Center for Human Genetics Tuebingen
Classification: Likely benign. Last evaluated: 2026-08-01. Review status: criteria provided, single submitter. Criteria: CeGaT Center For Human Genetics Tuebingen Variant Classification Criteria Version 2. Collection method: clinical testing. Allele origin: germline. Affected: yes. Observed: 1 variant allele.
Comment: SPEG: BS2

Mayo Clinic Laboratories, Mayo Clinic
Classification: Uncertain significance. Last evaluated: 2024-11-20. Review status: criteria provided, single submitter. Criteria: ACMG Guidelines, 2015. Collection method: clinical testing. Allele origin: germline. Observed: 3 variant alleles.
Comment: BS1

Blueprint Genetics
Classification: Uncertain significance. Last evaluated: 2024-10-14. Review status: criteria provided, single submitter. Criteria: ACMG Guidelines, 2015. Collection method: clinical testing. Allele origin: germline.

Revvity Omics, Revvity
Classification: Uncertain significance for Myopathy, centronuclear, 5. Last evaluated: 2024-06-26. Review status: criteria provided, single submitter. Criteria: ACMG Guidelines, 2015. Collection method: clinical testing. Allele origin: germline.

Labcorp Genetics (formerly Invitae), Labcorp
Classification: Uncertain significance. Last evaluated: 2022-10-17. Review status: criteria provided, single submitter. Criteria: Invitae Variant Classification Sherloc (09022015). Collection method: clinical testing. Allele origin: germline.
Comment: This sequence change replaces isoleucine, which is neutral and non-polar, with asparagine, which is neutral and polar, at codon 2324 of the SPEG protein (p.Ile2324Asn). This variant is present in population databases (rs201170917, gnomAD 0.1%), and has an allele count higher than expected for a pathogenic variant. This variant has not been reported in the literature in individuals affected with SPEG-related conditions. ClinVar contains an entry for this variant (Variation ID: 816845). Algorithms developed to predict the effect of missense changes on protein structure and function are either unavailable or do not agree on the potential impact of this missense change (SIFT: "Deleterious"; PolyPhen-2: "Possibly Damaging"; Align-GVGD: "Class C0"). In summary, the available evidence is currently insufficient to determine the role of this variant in disease. Therefore, it has been classified as a Variant of Uncertain Significance.

Department of Pathology and Laboratory Medicine, Sinai Health System
Classification: Uncertain significance for Myopathy, centronuclear, 5. Last evaluated: 2021-12-15. Review status: criteria provided, single submitter. Criteria: ACMG Guidelines, 2015. Collection method: research. Allele origin: germline.

Breakthrough Genomics
Classification: Uncertain significance. Review status: criteria provided, single submitter. Criteria: ACMG Guidelines, 2015. Collection method: not provided. Allele origin: germline. Inheritance: Autosomal recessive inheritance. Affected: yes.

PreventionGenetics, part of Exact Sciences
Classification: Uncertain significance for SPEG-related condition. Last evaluated: 2023-11-02. Review status: no assertion criteria provided. Collection method: clinical testing. Allele origin: germline. Not counted in ClinVar's aggregate classification.
Comment: The SPEG c.6971T>A variant is predicted to result in the amino acid substitution p.Ile2324Asn. This variant was reported in multiple individuals with arthrogryposis (Pehlivan et al 2019. PubMed ID: 31230720; dataset S4 in Kars et al 2021. PubMed ID: 34426522). This variant is reported in 0.10% of alleles in individuals of European (Non-Finnish) descent in gnomAD. At this time, the clinical significance of this variant is uncertain due to the absence of conclusive functional and genetic evidence.

Lupski Lab, Baylor-Hopkins CMG, Baylor College of Medicine
Classification: Uncertain significance for Myopathy, centronuclear, 5. Review status: no assertion criteria provided. Collection method: research. Allele origin: inherited. Inheritance: Autosomal recessive inheritance. Affected: yes. Observed: 3 variant alleles, 2 heterozygotes, 1 homozygote. Not counted in ClinVar's aggregate classification.

Literature cited by the submitters: PubMed 31230720 (cited by Mayo Clinic Laboratories, Mayo Clinic).

NM_005876.5(SPEG):c.6971T>A (p.Ile2324Asn)

Genes: ASIC4-AS1 (ASIC4 antisense RNA 1; minus strand), SPEG (striated muscle enriched protein kinase; plus strand). Cytogenetic location: 2q35.
Variant type: single nucleotide variant.
Coding change: c.6971T>A on transcript NM_005876.5 (MANE Select); coding-DNA position 6971, T replaced by A.
Protein change: p.Ile2324Asn; replaces isoleucine 2324 with asparagine.
Molecular consequence: missense variant.
Genome position (GRCh38, 1-based): chr2:219,484,434, T>A. VCF-style: chr2-219484434-T-A. GRCh37 (hg19) VCF-style: chr2-220349156-T-A.
Other names: short protein forms I2324N.
Identifiers: ClinVar variation 816845 (VCV000816845.19), dbSNP rs201170917, ClinGen allele CA2127152.